The following is an entry in ClinVar:

ClinVar aggregate classification (germline): Uncertain significance (1 of 4 stars; one submission).

Conditions:
Inborn genetic diseases. Identifiers: MedGen C0950123, MeSH D030342.

gnomAD v4.1: 1 of 1,603,538 alleles (0.000062%); highest among the groups gnomAD compares: Non-Finnish European, 0.000085%; no homozygotes.

Submission:

Ambry Genetics
Classification: Uncertain significance for Inborn genetic diseases. Last evaluated: 2026-09-12. Review status: criteria provided, single submitter. Criteria: Ambry Variant Classification Scheme 2023. Collection method: clinical testing. Allele origin: germline.
Comment: The p.P786S variant (also known as c.2356C>T), located in coding exon 15 of the PIK3CA gene, results from a C to T substitution at nucleotide position 2356. The proline at codon 786 is replaced by serine, an amino acid with similar properties. This amino acid position is conserved. In addition, the in silico prediction for this alteration is inconclusive. Based on the available evidence, the clinical significance of this variant remains unclear.

NM_006218.4(PIK3CA):c.2356C>T (p.Pro786Ser)

Gene: PIK3CA (phosphatidylinositol-4,5-bisphosphate 3-kinase catalytic subunit alpha; plus strand). Cytogenetic location: 3q26.32.
Variant type: single nucleotide variant.
Coding change: c.2356C>T on transcript NM_006218.4 (MANE Select); coding-DNA position 2356, C replaced by T.
Protein change: p.Pro786Ser; replaces proline 786 with serine.
Molecular consequence: missense variant.
Genome position (GRCh38, 1-based): chr3:179,224,761, C>T. VCF-style: chr3-179224761-C-T. GRCh37 (hg19) VCF-style: chr3-178942549-C-T.
Other names: short protein forms P786S.
Identifiers: ClinVar variation 5026716 (VCV005026716.1).